The following is an entry in ClinVar:

NM_000077.5(CDKN2A):c.171_172delinsTT (p.Arg58Ter)

Gene: CDKN2A (cyclin dependent kinase inhibitor 2A; minus strand). Cytogenetic location: 9p21.3.
Variant type: Indel.
Coding change: c.171_172delinsTT on transcript NM_000077.5; coding-DNA positions 171 to 172, CC replaced by TT.
Protein change: p.Arg58Ter; replaces arginine 58 with a stop codon.
Molecular consequence: nonsense (on NM_000077.6). On other transcripts: missense variant (1), 3 prime UTR variant (1).
Genome position (GRCh38, 1-based): chr9:21,971,187-21,971,188, GG replaced by AA on the plus strand (CC replaced by TT on the coding strand, the reverse complement: CDKN2A is on the minus strand). VCF-style: chr9-21971187-GG-AA. GRCh37 (hg19) VCF-style: chr9-21971186-GG-AA.
Other names: c.171_172delCCinsTT, p.Arg58Ter (NM_000077.6); c.171_172delinsTT, p.Arg58Ter (NM_001195132.2); c.18_19delinsTT, p.Arg7Ter (NM_001363763.2); c.214_215delinsTT, p.Pro72Leu (NM_058195.4); c.*94_*95delinsTT (NM_058197.5); short protein forms P72L, R58*, R7*.
Identifiers: ClinVar variation 4633926 (VCV004633926.1).

ClinVar aggregate classification (germline): Pathogenic (1 of 4 stars; one submission).

Conditions:
Hereditary cancer-predisposing syndrome. Also called: Neoplastic Syndromes, Hereditary; Tumor predisposition; Hereditary neoplastic syndrome; Hereditary Cancer Syndrome. Identifiers: Orphanet 140162, MedGen C0027672, MeSH D009386, MONDO:0015356.

Submission:

Ambry Genetics
Classification: Pathogenic for Hereditary cancer-predisposing syndrome. Last evaluated: 2025-12-04. Review status: criteria provided, single submitter. Criteria: Ambry Variant Classification Scheme 2023. Collection method: clinical testing. Allele origin: germline.
Comment: The c.171_172delCCinsTT pathogenic mutation (also known as p.R58*), located in coding exon 2 of the CDKN2A gene, results from a deletion of CC and insertion of TT at nucleotide positions 171 to 172. This changes the amino acid from an arginine to a stop codon within coding exon 2. This variant is considered to be rare based on population cohorts in the Genome Aggregation Database (gnomAD). This alteration is expected to result in loss of function by premature protein truncation or nonsense-mediated mRNA decay. As such, this alteration is interpreted as a disease-causing mutation.